The following is an entry in ClinVar:

NM_015629.4(PRPF31):c.1120C>T (p.Gln374Ter)

Gene: PRPF31 (pre-mRNA processing factor 31; plus strand). Cytogenetic location: 19q13.42.
Variant type: single nucleotide variant.
Coding change: c.1120C>T on transcript NM_015629.4 (MANE Select); coding-DNA position 1120, C replaced by T.
Protein change: p.Gln374Ter; replaces glutamine 374 with a stop codon.
Molecular consequence: nonsense.
Genome position (GRCh38, 1-based): chr19:54,128,351, C>T. VCF-style: chr19-54128351-C-T. GRCh37 (hg19) VCF-style: chr19-54631726-C-T.
Other names: short protein forms Q374*.
Identifiers: ClinVar variation 224758 (VCV000224758.9), dbSNP rs869312187, ClinGen allele CA353609.

ClinVar aggregate classification (germline): Pathogenic. Review status: criteria provided, multiple submitters, no conflicts (2 of 4 stars). 4 submissions from 4 submitters: Pathogenic (2). 2 of the submissions do not count toward it. Last evaluated 2022-04-13.

Conditions:
Retinal dystrophy. Also called: Inherited retinal dystrophy. Identifiers: Orphanet 71862, MedGen C0854723, MeSH D058499, MONDO:0019118, HP:0000556.
Retinitis pigmentosa 11 (RP11). Identifiers: Orphanet 791, MedGen C1838601, MONDO:0010828, OMIM 600138.

Submissions (4):

Labcorp Genetics (formerly Invitae), Labcorp
Classification: Pathogenic. Last evaluated: 2022-04-13. Review status: criteria provided, single submitter. Criteria: Invitae Variant Classification Sherloc (09022015). Collection method: clinical testing. Allele origin: germline.
Comment: This premature translational stop signal has been observed in individual(s) with retinitis pigmentosa (PMID: 26872967, 33946315). ClinVar contains an entry for this variant (Variation ID: 224758). For these reasons, this variant has been classified as Pathogenic. This variant is not present in population databases (gnomAD no frequency). This sequence change creates a premature translational stop signal (p.Gln374*) in the PRPF31 gene. It is expected to result in an absent or disrupted protein product. Loss-of-function variants in PRPF31 are known to be pathogenic (PMID: 18317597, 23950152).

GeneDx
Classification: Pathogenic. Last evaluated: 2019-01-02. Review status: criteria provided, single submitter. Criteria: GeneDx Variant Classification (06012015). Collection method: clinical testing. Allele origin: germline. Affected: yes.
Comment: The Q374X variant in the PRPF31 gene has been reported previously in an individual with retinal dystrophy (Ellingford et al., 2016). This variant is predicted to cause loss of normal protein function either through protein truncation or nonsense-mediated mRNA decay. The Q374X variant is not observed in large population cohorts (Lek et al., 2016). We interpret Q374X as a pathogenic variant.

Centre for Genomic Medicine, Manchester, Central Manchester University Hospitals
Classification: Likely pathogenic for Retinal dystrophy. Last evaluated: 2015-01-30. Review status: no assertion criteria provided. Collection method: clinical testing. Allele origin: germline. Affected: yes. Not counted in ClinVar's aggregate classification.

Genomics England Pilot Project, Genomics England
Classification: Pathogenic for Retinitis pigmentosa 11. Review status: no assertion criteria provided. Criteria: ACGS Guidelines, 2016. Collection method: clinical testing. Allele origin: germline. Affected: yes. Not counted in ClinVar's aggregate classification.

Literature cited by the submitters: PubMed 26872967 (cited by Labcorp Genetics (formerly Invitae), Labcorp and Centre for Genomic Medicine, Manchester, Central Manchester University Hospitals); PubMed 33946315 (cited by Labcorp Genetics (formerly Invitae), Labcorp); PubMed 18317597 (cited by Labcorp Genetics (formerly Invitae), Labcorp); PubMed 23950152 (cited by Labcorp Genetics (formerly Invitae), Labcorp).